The following is an entry in ClinVar:

ClinVar aggregate classification (germline): Uncertain significance (1 of 4 stars; one submission).

Allele frequency attached by ClinVar (database versions not stated): gnomAD 0.00001; gnomAD exomes 0.00001 and below 0.00001; TOPMed 0.00001; ExAC 0.00001.

Submission:

Labcorp Genetics (formerly Invitae), Labcorp
Classification: Uncertain significance. Last evaluated: 2024-10-22. Review status: criteria provided, single submitter. Criteria: Invitae Variant Classification Sherloc (09022015). Collection method: clinical testing. Allele origin: germline.
Comment: This sequence change replaces glutamine, which is neutral and polar, with arginine, which is basic and polar, at codon 41 of the SCN3A protein (p.Gln41Arg). This variant is present in population databases (rs748061167, gnomAD 0.002%). This variant has not been reported in the literature in individuals affected with SCN3A-related conditions. ClinVar contains an entry for this variant (Variation ID: 662701). Invitae Evidence Modeling of protein sequence and biophysical properties (such as structural, functional, and spatial information, amino acid conservation, physicochemical variation, residue mobility, and thermodynamic stability) indicates that this missense variant is not expected to disrupt SCN3A protein function with a negative predictive value of 95%. In summary, the available evidence is currently insufficient to determine the role of this variant in disease. Therefore, it has been classified as a Variant of Uncertain Significance.

NM_006922.4(SCN3A):c.122A>G (p.Gln41Arg)

Gene: SCN3A (sodium voltage-gated channel alpha subunit 3; minus strand). Cytogenetic location: 2q24.3.
Variant type: single nucleotide variant.
Coding change: c.122A>G on transcript NM_006922.4 (MANE Select); coding-DNA position 122, A replaced by G.
Protein change: p.Gln41Arg; replaces glutamine 41 with arginine.
Molecular consequence: missense variant.
Genome position (GRCh38, 1-based): chr2:165,176,273, T>C on the plus strand (A>G on the coding strand, the complement: SCN3A is on the minus strand). VCF-style: chr2-165176273-T-C. GRCh37 (hg19) VCF-style: chr2-166032783-T-C.
Other names: c.122A>G, p.Gln41Arg (NM_001081676.2, NM_001081677.2); short protein forms Q41R.
Identifiers: ClinVar variation 662701 (VCV000662701.10), dbSNP rs748061167, ClinGen allele CA1939498.